The following is an entry in ClinVar:

ClinVar aggregate classification (germline): Uncertain significance (1 of 4 stars; one submission).

Conditions:
Cardiovascular phenotype. Identifiers: MedGen CN230736.

gnomAD v4.1: 12 of 1,610,692 alleles (0.00075%); highest among the groups gnomAD compares: Non-Finnish European, 0.001%; no homozygotes.

Submission:

Ambry Genetics
Classification: Uncertain significance for Cardiovascular phenotype. Last evaluated: 2019-03-11. Review status: criteria provided, single submitter. Criteria: Ambry Variant Classification Scheme 2023. Collection method: clinical testing. Allele origin: germline.
Comment: The p.G23219R variant (also known as c.69655G>C), located in coding exon 174 of the TTN gene, results from a G to C substitution at nucleotide position 69655. The glycine at codon 23219 is replaced by arginine, an amino acid with dissimilar properties. This amino acid position is highly conserved in available vertebrate species. In addition, the in silico prediction for this alteration is inconclusive. Since supporting evidence is limited at this time, the clinical significance of this alteration remains unclear.

NM_001267550.2(TTN):c.96850G>C (p.Gly32284Arg)

Genes: TTN (titin; minus strand), TTN-AS1 (TTN antisense RNA 1; plus strand), LOC126806421 (CDK7 strongly-dependent group 2 enhancer GRCh37_chr2:179407630-179408829; plus strand). Cytogenetic location: 2q31.2.
Variant type: single nucleotide variant.
Coding change: c.96850G>C on transcript NM_001267550.2 (MANE Select); coding-DNA position 96850, G replaced by C.
Protein change: p.Gly32284Arg; replaces glycine 32284 with arginine.
Molecular consequence: missense variant.
Genome position (GRCh38, 1-based): chr2:178,543,123, C>G on the plus strand (G>C on the coding strand, the complement: TTN is on the minus strand). VCF-style: chr2-178543123-C-G. GRCh37 (hg19) VCF-style: chr2-179407850-C-G.
Other names: c.91927G>C, p.Gly30643Arg (NM_001256850.1); c.69655G>C, p.Gly23219Arg (NM_003319.4); c.89146G>C, p.Gly29716Arg (NM_133378.4); c.70030G>C, p.Gly23344Arg (NM_133432.3); c.70231G>C, p.Gly23411Arg (NM_133437.4); short protein forms G23344R, G23411R, G29716R, G23219R, G30643R, G32284R.
Identifiers: ClinVar variation 1756342 (VCV001756342.2), dbSNP rs2468921451, ClinGen allele CA349444985.